The following is an entry in ClinVar:

NM_006939.4(SOS2):c.1915C>A (p.Leu639Met)

Gene: SOS2 (SOS Ras/Rho guanine nucleotide exchange factor 2; minus strand). Cytogenetic location: 14q21.3.
Variant type: single nucleotide variant.
Coding change: c.1915C>A on transcript NM_006939.4 (MANE Select); coding-DNA position 1915, C replaced by A.
Protein change: p.Leu639Met; replaces leucine 639 with methionine.
Molecular consequence: missense variant.
Genome position (GRCh38, 1-based): chr14:50,158,584, G>T on the plus strand (C>A on the coding strand, the complement: SOS2 is on the minus strand). VCF-style: chr14-50158584-G-T. GRCh37 (hg19) VCF-style: chr14-50625302-G-T.
Other names: c.1816C>A, p.Leu606Met (NM_001411020.1); short protein forms L606M, L639M.
Identifiers: ClinVar variation 2048930 (VCV002048930.4), dbSNP rs1884893031, ClinGen allele CA389644669.

ClinVar aggregate classification (germline): Uncertain significance (1 of 4 stars; one submission).

Conditions:
Noonan syndrome 9 (NS9). Identifiers: Orphanet 648, MedGen C4225282, MONDO:0014691, OMIM 616559.

Submission:

Labcorp Genetics (formerly Invitae), Labcorp
Classification: Uncertain significance for Noonan syndrome 9. Last evaluated: 2022-11-22. Review status: criteria provided, single submitter. Criteria: Invitae Variant Classification Sherloc (09022015). Collection method: clinical testing. Allele origin: germline.
Comment: This variant has not been reported in the literature in individuals affected with SOS2-related conditions. In summary, the available evidence is currently insufficient to determine the role of this variant in disease. Therefore, it has been classified as a Variant of Uncertain Significance. Advanced modeling of protein sequence and biophysical properties (such as structural, functional, and spatial information, amino acid conservation, physicochemical variation, residue mobility, and thermodynamic stability) performed at Invitae indicates that this missense variant is expected to disrupt SOS2 protein function. This variant is not present in population databases (gnomAD no frequency). This sequence change replaces leucine, which is neutral and non-polar, with methionine, which is neutral and non-polar, at codon 639 of the SOS2 protein (p.Leu639Met).